The following is an entry in ClinVar:

ClinVar aggregate classification (germline): Uncertain significance (1 of 4 stars; one submission).

Conditions:
Hereditary cancer-predisposing syndrome. Also called: Neoplastic Syndromes, Hereditary; Tumor predisposition; Hereditary neoplastic syndrome; Hereditary Cancer Syndrome. Identifiers: Orphanet 140162, MedGen C0027672, MeSH D009386, MONDO:0015356.

Submission:

Ambry Genetics
Classification: Uncertain significance for Hereditary cancer-predisposing syndrome. Last evaluated: 2023-12-30. Review status: criteria provided, single submitter. Criteria: Ambry Variant Classification Scheme 2023. Collection method: clinical testing. Allele origin: germline.
Comment: The p.S605C variant (also known as c.1813A>T), located in coding exon 15 of the MRE11A gene, results from an A to T substitution at nucleotide position 1813. The serine at codon 605 is replaced by cysteine, an amino acid with dissimilar properties. This amino acid position is conserved. In addition, this alteration is predicted to be tolerated by in silico analysis. Since supporting evidence is limited at this time, the clinical significance of this alteration remains unclear.

NM_005591.4(MRE11):c.1813A>T (p.Ser605Cys)

Gene: MRE11 (MRE11 double strand break repair nuclease; minus strand). Cytogenetic location: 11q21.
Variant type: single nucleotide variant.
Coding change: c.1813A>T on transcript NM_005591.4 (MANE Select); coding-DNA position 1813, A replaced by T.
Protein change: p.Ser605Cys; replaces serine 605 with cysteine.
Molecular consequence: missense variant. On other transcripts: intron variant (1).
Genome position (GRCh38, 1-based): chr11:94,445,864, T>A on the plus strand (A>T on the coding strand, the complement: MRE11 is on the minus strand). VCF-style: chr11-94445864-T-A. GRCh37 (hg19) VCF-style: chr11-94179030-T-A.
Other names: c.1810A>T, p.Ser604Cys (NM_001330347.2); c.1783+1355A>T (NM_005590.4); short protein forms S604C, S605C.
Identifiers: ClinVar variation 3224844 (VCV003224844.1), dbSNP rs2496280517, ClinGen allele CA382366737.